The following is an entry in ClinVar:

ClinVar aggregate classification (germline): Uncertain significance (1 of 4 stars; one submission).

Allele frequency attached by ClinVar (database versions not stated): gnomAD exomes below 0.00001 and 0.00001; gnomAD 0.00001; ExAC 0.00002; TOPMed 0.00002; ESP Exome Variant Server 0.00008.
gnomAD v4.1: 5 of 1,613,996 alleles (0.00031%); highest among the groups gnomAD compares: African/African-American, 0.0027%; no homozygotes.

Submission:

Labcorp Genetics (formerly Invitae), Labcorp
Classification: Uncertain significance. Last evaluated: 2022-07-06. Review status: criteria provided, single submitter. Criteria: Invitae Variant Classification Sherloc (09022015). Collection method: clinical testing. Allele origin: germline.
Comment: ClinVar contains an entry for this variant (Variation ID: 1057647). In summary, the available evidence is currently insufficient to determine the role of this variant in disease. Therefore, it has been classified as a Variant of Uncertain Significance. Algorithms developed to predict the effect of missense changes on protein structure and function (SIFT, PolyPhen-2, Align-GVGD) all suggest that this variant is likely to be disruptive. This variant has not been reported in the literature in individuals affected with EMC1-related conditions. This variant is present in population databases (rs376593702, gnomAD 0.01%). This sequence change replaces arginine, which is basic and polar, with cysteine, which is neutral and slightly polar, at codon 729 of the EMC1 protein (p.Arg729Cys).

NM_015047.3(EMC1):c.2185C>T (p.Arg729Cys)

Genes: EMC1 (ER membrane protein complex subunit 1; minus strand), EMC1-AS1 (EMC1 antisense RNA 1; plus strand). Cytogenetic location: 1p36.13.
Variant type: single nucleotide variant.
Coding change: c.2185C>T on transcript NM_015047.3 (MANE Select); coding-DNA position 2185, C replaced by T.
Protein change: p.Arg729Cys; replaces arginine 729 with cysteine.
Molecular consequence: missense variant.
Genome position (GRCh38, 1-based): chr1:19,227,330, G>A on the plus strand (C>T on the coding strand, the complement: EMC1 is on the minus strand). VCF-style: chr1-19227330-G-A. GRCh37 (hg19) VCF-style: chr1-19553824-G-A.
Other names: c.2182C>T, p.Arg728Cys (NM_001271427.2, NM_001271428.2); c.2119C>T, p.Arg707Cys (NM_001271429.2); c.2194C>T, p.Arg732Cys (NM_001375820.1); c.2191C>T, p.Arg731Cys (NM_001375821.1); short protein forms R707C, R728C, R729C, R731C, R732C.
Identifiers: ClinVar variation 1057647 (VCV001057647.9), dbSNP rs376593702, ClinGen allele CA652376.